The following is an entry in ClinVar:

ClinVar aggregate classification (germline): Conflicting classifications of pathogenicity. Review status: criteria provided, conflicting classifications (1 of 4 stars). 12 submissions from 12 submitters: Uncertain significance (2); Benign (2); Likely benign (6). 2 of the submissions do not count toward it. Last evaluated 2026-02-02.

Conditions:
HEXA-related disorder. Also called: HEXA-related condition.
Tay-Sachs disease (TSD). Also called: GM2 gangliosidosis, type 1; Hexosaminidase alpha-subunit deficiency (variant B); Sphingolipidosis, Tay-Sachs; HEXA Disorders; HEXA DEFICIENCY; Hexosaminidase A Deficiency. Identifiers: Orphanet 845, MedGen C0039373, MONDO:0010100, OMIM 272800.

Allele frequency attached by ClinVar (database versions not stated): 1000 Genomes Project 0.00020; 1000 Genomes Project 30x 0.00031; gnomAD exomes 0.00062 and 0.00123; gnomAD 0.00084 and 0.00087; ExAC 0.00101; ESP Exome Variant Server 0.00108; TOPMed 0.00111.

Submissions (12):

Labcorp Genetics (formerly Invitae), Labcorp
Classification: Likely benign for Tay-Sachs disease. Last evaluated: 2026-02-02. Review status: criteria provided, single submitter. Criteria: Invitae Variant Classification Sherloc (09022015). Collection method: clinical testing. Allele origin: germline.

Women's Health and Genetics/Laboratory Corporation of America, LabCorp
Classification: Likely benign. Last evaluated: 2026-01-26. Review status: criteria provided, single submitter. Criteria: LabCorp Variant Classification Summary - May 2015. Collection method: clinical testing. Allele origin: germline.
Comment: Variant summary: HEXA c.1527-6T>C alters a nucleotide located at a position not widely known to affect splicing. Consensus agreement among computation tools predict no significant impact on normal splicing. However, these predictions have yet to be confirmed by functional studies. The variant allele was found at a frequency of 0.0012 in 251334 control chromosomes in the gnomAD database, including 3 homozygotes. This frequency is only slightly lower than estimated for disease-causing variants in HEXA, suggesting it may be a benign polymorphism. c.1527-6T>C has been observed in individuals affected with Tay-Sachs Disease and was classified as a neutral polymorphism (Kaplan, 1993, Myerowitz_1997). These report(s) do not provide unequivocal conclusions about association of the variant with Tay-Sachs Disease. To our knowledge, no experimental evidence demonstrating an impact on protein function has been reported. The following publications have been ascertained in the context of this evaluation (PMID: 8081943, 9090523). ClinVar contains an entry for this variant (Variation ID: 194339). Based on the evidence outlined above, the variant was classified as likely benign.

PreventionGenetics, part of Exact Sciences
Classification: Benign for HEXA-related condition. Last evaluated: 2024-12-04. Review status: criteria provided, single submitter. Criteria: ACMG Guidelines, 2015. Collection method: clinical testing. Allele origin: germline.
Comment: This variant is classified as benign based on ACMG/AMP sequence variant interpretation guidelines (Richards et al. 2015 PMID: 25741868, with internal and published modifications).

Blueprint Genetics
Classification: Likely benign. Last evaluated: 2024-11-21. Review status: criteria provided, single submitter. Criteria: ACMG Guidelines, 2015. Collection method: clinical testing. Allele origin: germline.

Mayo Clinic Laboratories, Mayo Clinic
Classification: Likely benign. Last evaluated: 2024-05-09. Review status: criteria provided, single submitter. Criteria: ACMG Guidelines, 2015. Collection method: clinical testing. Allele origin: germline. Observed: 4 variant alleles.
Comment: BS1, BP4, BP7

ARUP Laboratories, Molecular Genetics and Genomics, ARUP Laboratories
Classification: Benign. Last evaluated: 2021-09-06. Review status: criteria provided, single submitter. Criteria: ARUP Molecular Germline Variant Investigation Process 2021. Collection method: clinical testing. Allele origin: germline.

Quest Diagnostics Nichols Institute San Juan Capistrano
Classification: Likely benign. Last evaluated: 2020-12-03. Review status: criteria provided, single submitter. Criteria: Quest Diagnostics criteria. Collection method: clinical testing. Allele origin: unknown.

GeneDx
Classification: Likely benign. Last evaluated: 2020-11-03. Review status: criteria provided, single submitter. Criteria: GeneDx Variant Classification Process June 2021. Collection method: clinical testing. Allele origin: germline. Affected: yes.
Comment: This variant is associated with the following publications: (PMID: 9090523)

Illumina Laboratory Services, Illumina
Classification: Uncertain significance for Tay-Sachs disease. Last evaluated: 2018-01-13. Review status: criteria provided, single submitter. Criteria: ICSL Variant Classification Criteria 13 December 2019. Collection method: clinical testing. Allele origin: germline.

Eurofins Ntd Llc (ga)
Classification: Uncertain significance. Last evaluated: 2015-01-02. Review status: criteria provided, single submitter. Criteria: EGL Classification Definitions 2015. Collection method: clinical testing. Allele origin: germline. Observed: 1 variant allele, 1 heterozygote.

Natera, Inc.
Classification: Benign for Tay-Sachs disease. Last evaluated: 2017-08-10. Review status: no assertion criteria provided. Collection method: clinical testing. Allele origin: germline. Not counted in ClinVar's aggregate classification.

Counsyl
Classification: Likely benign for Tay-Sachs disease. Last evaluated: 2017-07-28. Review status: no assertion criteria provided. Collection method: clinical testing. Allele origin: unknown. Not counted in ClinVar's aggregate classification.

Literature cited by the submitters: PubMed 9090523 (cited by 3 submitters); PubMed 8081943 (cited by 3 submitters).

NM_000520.6(HEXA):c.1527-6T>C

Gene: HEXA (hexosaminidase subunit alpha; minus strand). Cytogenetic location: 15q23.
Variant type: single nucleotide variant.
Coding change: c.1527-6T>C on transcript NM_000520.6 (MANE Select); 6 bases into the intron before coding-DNA position 1527, T replaced by C.
Molecular consequence: intron variant.
Genome position (GRCh38, 1-based): chr15:72,344,146, A>G on the plus strand (T>C on the coding strand, the complement: HEXA is on the minus strand). VCF-style: chr15-72344146-A-G. GRCh37 (hg19) VCF-style: chr15-72636487-A-G.
Other names: p.?; c.1560-6T>C (NM_001318825.2).
Identifiers: ClinVar variation 194339 (VCV000194339.46), dbSNP rs199914308, ClinGen allele CA240243.
Genomic context (GRCh38, chr15:72,344,146, plus strand): 5'-TTCAAACTCCTGCTCACAGAAGCCTACATTGAGGGGTTGGGCCTGGACACCTCGCCTGCA[A>G]GAGGACATGAAGAAATGGCAAGATAAGCCCCTCAGAAGGGGCCCCAGCAACACTTTTCAC-3'